The following is an entry in ClinVar:

ClinVar aggregate classification (germline): Uncertain significance. Review status: criteria provided, multiple submitters, no conflicts (2 of 4 stars). 2 submissions from 2 submitters: Uncertain significance (2). Last evaluated 2024-12-17.

Conditions:
Nance-Horan syndrome (NHS). Identifiers: Orphanet 627, MedGen C0796085, MONDO:0010545, OMIM 302350.

Allele frequency attached by ClinVar (database versions not stated): gnomAD exomes 0.00001.
gnomAD v4.1: 7 of 1,160,079 alleles (0.0006%); highest among the groups gnomAD compares: Non-Finnish European, 0.0008%; no homozygotes.

Submissions (2):

Labcorp Genetics (formerly Invitae), Labcorp
Classification: Uncertain significance for Nance-Horan syndrome. Last evaluated: 2024-12-17. Review status: criteria provided, single submitter. Criteria: Invitae Variant Classification Sherloc (09022015). Collection method: clinical testing. Allele origin: germline.
Comment: This sequence change replaces arginine, which is basic and polar, with glycine, which is neutral and non-polar, at codon 176 of the NHS protein (p.Arg176Gly). This variant is not present in population databases (gnomAD no frequency). This variant has not been reported in the literature in individuals affected with NHS-related conditions. ClinVar contains an entry for this variant (Variation ID: 2660079). An algorithm developed to predict the effect of missense changes on protein structure and function (PolyPhen-2) suggests that this variant is likely to be tolerated. In summary, the available evidence is currently insufficient to determine the role of this variant in disease. Therefore, it has been classified as a Variant of Uncertain Significance.

CeGaT Center for Human Genetics Tuebingen
Classification: Uncertain significance. Last evaluated: 2022-08-01. Review status: criteria provided, single submitter. Criteria: CeGaT Center For Human Genetics Tuebingen Variant Classification Criteria Version 2. Collection method: clinical testing. Allele origin: germline. Affected: yes. Observed: 1 variant allele.
Comment: NHS: PM2

NM_001291867.2(NHS):c.526C>G (p.Arg176Gly)

Gene: NHS (NHS actin remodeling regulator; plus strand). Cytogenetic location: Xp22.2.
Variant type: single nucleotide variant.
Coding change: c.526C>G on transcript NM_001291867.2 (MANE Select); coding-DNA position 526, C replaced by G.
Protein change: p.Arg176Gly; replaces arginine 176 with glycine.
Molecular consequence: missense variant.
Genome position (GRCh38, 1-based): chrX:17,376,283, C>G. VCF-style: chrX-17376283-C-G. GRCh37 (hg19) VCF-style: chrX-17394406-C-G.
Other names: c.526C>G, p.Arg176Gly (NM_198270.4); short protein forms R176G.
Identifiers: ClinVar variation 2660079 (VCV002660079.26), dbSNP rs1569241599, ClinGen allele CA412484934.
Genomic context (GRCh38, chrX:17,376,283, plus strand): 5'-GACATCCAGCTCACCCACCGCCGCGTCTGGGCGCTGCAGGGCAAGCTCGGCGGCGTGCAG[C>G]GCGTCCTCAGCACGCTTGACCCTAAGCAGGAGGCAGTGCGTGAGTACCCGCGCCGTCCGC-3'
Protein context (NP_001278796.1, residues 166-186): ALQGKLGGVQ[Arg176Gly]VLSTLDPKQE